The following is an entry in ClinVar:

NM_001029883.3(PCARE):c.944G>A (p.Arg315Lys)

Gene: PCARE (photoreceptor cilium actin regulator; minus strand). Cytogenetic location: 2p23.2.
Variant type: single nucleotide variant.
Coding change: c.944G>A on transcript NM_001029883.3 (MANE Select); coding-DNA position 944, G replaced by A.
Protein change: p.Arg315Lys; replaces arginine 315 with lysine.
Molecular consequence: missense variant.
Genome position (GRCh38, 1-based): chr2:29,073,318, C>T on the plus strand (G>A on the coding strand, the complement: PCARE is on the minus strand). VCF-style: chr2-29073318-C-T. GRCh37 (hg19) VCF-style: chr2-29296184-C-T.
Other names: c.944G>A (NM_001029883.1); short protein forms R315K.
Identifiers: ClinVar variation 896402 (VCV000896402.11), dbSNP rs756484547, ClinGen allele CA1592536.
Genomic context (GRCh38, chr2:29,073,318, plus strand): 5'-CAGCCACTCGCCAGGCTCTCTAGCTGCCTCAGAGCCCTCAGGAGGCGTTCATCCACATTC[C>T]TTTTTGTGCTCAGCTTATTTTCCAAGTGGGTTGCAGTGGAGTGGAGGTAGCTGCTGGAGC-3'
Protein context (NP_001025054.1, residues 305-325): THLENKLSTK[Arg315Lys]NVDERLLRAL

ClinVar aggregate classification (germline): Uncertain significance. Review status: criteria provided, multiple submitters, no conflicts (2 of 4 stars). 5 submissions from 5 submitters: Uncertain significance (5). Last evaluated 2025-04-25.

Conditions:
Inborn genetic diseases. Identifiers: MedGen C0950123, MeSH D030342.
Retinitis pigmentosa (RP). Identifiers: Orphanet 791, MedGen C0035334, MeSH D012174, MONDO:0019200, OMIM 268000. Inheritance: Autosomal dominant, autosomal recessive and X linked inheritance.
PCARE-related disorder. Also called: PCARE-related condition.

Allele frequency attached by ClinVar (database versions not stated): TOPMed 0.00001; gnomAD exomes 0.00002; ExAC 0.00003; gnomAD 0.00003.
gnomAD v4.1: 31 of 1,614,020 alleles (0.0019%); highest among the groups gnomAD compares: Non-Finnish European, 0.0025%; no homozygotes.

Submissions (5):

PreventionGenetics, part of Exact Sciences
Classification: Uncertain significance for PCARE-related condition. Last evaluated: 2025-04-25. Review status: criteria provided, single submitter. Criteria: ACMG Guidelines, 2015. Collection method: clinical testing. Allele origin: germline.
Comment: The PCARE c.944G>A variant is predicted to result in the amino acid substitution p.Arg315Lys. To our knowledge, this variant has not been reported in the literature. This variant is present in 0.0054% of alleles in individuals of European (Non-Finnish) descent in gnomAD. At this time, the clinical significance of this variant is uncertain due to the absence of conclusive functional and genetic evidence.

Blueprint Genetics
Classification: Uncertain significance. Last evaluated: 2024-04-26. Review status: criteria provided, single submitter. Criteria: ACMG Guidelines, 2015. Collection method: clinical testing. Allele origin: germline.

Labcorp Genetics (formerly Invitae), Labcorp
Classification: Uncertain significance. Last evaluated: 2022-05-11. Review status: criteria provided, single submitter. Criteria: Invitae Variant Classification Sherloc (09022015). Collection method: clinical testing. Allele origin: germline.
Comment: This variant has not been reported in the literature in individuals affected with PCARE-related conditions. This variant is present in population databases (rs756484547, gnomAD 0.005%). This sequence change replaces arginine, which is basic and polar, with lysine, which is basic and polar, at codon 315 of the PCARE protein (p.Arg315Lys). ClinVar contains an entry for this variant (Variation ID: 896402). In summary, the available evidence is currently insufficient to determine the role of this variant in disease. Therefore, it has been classified as a Variant of Uncertain Significance. Algorithms developed to predict the effect of missense changes on protein structure and function output the following: SIFT: "Tolerated"; PolyPhen-2: "Benign"; Align-GVGD: "Class C0". The lysine amino acid residue is found in multiple mammalian species, which suggests that this missense change does not adversely affect protein function.

Ambry Genetics
Classification: Uncertain significance for Inborn genetic diseases. Last evaluated: 2021-07-13. Review status: criteria provided, single submitter. Criteria: Ambry Variant Classification Scheme 2023. Collection method: clinical testing. Allele origin: germline.

Illumina Laboratory Services, Illumina
Classification: Uncertain significance for Retinitis pigmentosa. Last evaluated: 2018-01-13. Review status: criteria provided, single submitter. Criteria: ICSL Variant Classification Criteria 13 December 2019. Collection method: clinical testing. Allele origin: germline.